The following is an entry in ClinVar:

NM_005751.5(AKAP9):c.9314A>C (p.Lys3105Thr)

Gene: AKAP9 (A-kinase anchoring protein 9; plus strand). Cytogenetic location: 7q21.2.
Variant type: single nucleotide variant.
Coding change: c.9314A>C on transcript NM_005751.5 (MANE Select); coding-DNA position 9314, A replaced by C.
Protein change: p.Lys3105Thr; replaces lysine 3105 with threonine.
Molecular consequence: missense variant.
Genome position (GRCh38, 1-based): chr7:92,089,485, A>C. VCF-style: chr7-92089485-A-C. GRCh37 (hg19) VCF-style: chr7-91718799-A-C.
Other names: c.3959A>C, p.Lys1320Thr (NM_001379277.1); c.9290A>C, p.Lys3097Thr (NM_147185.3); short protein forms K3105T, K1320T, K3097T.
Identifiers: ClinVar variation 4613379 (VCV004613379.1).

ClinVar aggregate classification (germline): Uncertain significance (1 of 4 stars; one submission).

Conditions:
Cardiovascular phenotype. Identifiers: MedGen CN230736.

Submission:

Ambry Genetics
Classification: Uncertain significance for Cardiovascular phenotype. Last evaluated: 2025-09-18. Review status: criteria provided, single submitter. Criteria: Ambry Variant Classification Scheme 2023. Collection method: clinical testing. Allele origin: germline.
Comment: The p.K3105T variant (also known as c.9314A>C), located in coding exon 38 of the AKAP9 gene, results from an A to C substitution at nucleotide position 9314. The lysine at codon 3105 is replaced by threonine, an amino acid with similar properties. This amino acid position is conserved. In addition, this alteration is predicted to be tolerated by in silico analysis. Based on the available evidence, the clinical significance of this variant remains unclear.